The following is an entry in ClinVar:

NM_000350.3(ABCA4):c.1357-2A>G

Gene: ABCA4 (ATP binding cassette subfamily A member 4; minus strand). Cytogenetic location: 1p22.1.
Variant type: single nucleotide variant.
Coding change: c.1357-2A>G on transcript NM_000350.3 (MANE Select); the canonical splice acceptor site of the intron before coding-DNA position 1357, A replaced by G.
Molecular consequence: splice acceptor variant.
Genome position (GRCh38, 1-based): chr1:94,077,889, T>C on the plus strand (A>G on the coding strand, the complement: ABCA4 is on the minus strand). VCF-style: chr1-94077889-T-C. GRCh37 (hg19) VCF-style: chr1-94543445-T-C.
Identifiers: ClinVar variation 236081 (VCV000236081.6), dbSNP rs886044726, ClinGen allele CA10602449.

ClinVar aggregate classification (germline): Pathogenic/Likely pathogenic. Review status: criteria provided, multiple submitters, no conflicts (2 of 4 stars). 4 submissions from 3 submitters: Pathogenic (2); Likely pathogenic (2). Last evaluated 2024-02-08.

Conditions:
Retinal dystrophy. Also called: Inherited retinal dystrophy. Identifiers: Orphanet 71862, MedGen C0854723, MeSH D058499, MONDO:0019118, HP:0000556.
Severe early-childhood-onset retinal dystrophy (STGD1). Also called: Stargardt macular dystrophy; Juvenile onset macular degeneration; Stargardt disease 1; STGD; MACULAR DYSTROPHY WITH FLECKS, TYPE 1. Identifiers: Orphanet 364055, Orphanet 827, MedGen C1855465, MeSH D000080362, MONDO:0009549, OMIM 248200.

Submissions (4):

Labcorp Genetics (formerly Invitae), Labcorp
Classification: Likely pathogenic. Last evaluated: 2024-02-08. Review status: criteria provided, single submitter. Criteria: Invitae Variant Classification Sherloc (09022015). Collection method: clinical testing. Allele origin: germline.
Comment: This sequence change affects an acceptor splice site in intron 10 of the ABCA4 gene. It is expected to disrupt RNA splicing. Variants that disrupt the donor or acceptor splice site typically lead to a loss of protein function (PMID: 16199547), and loss-of-function variants in ABCA4 are known to be pathogenic (PMID: 10958761, 24938718, 25312043, 26780318). This variant is not present in population databases (gnomAD no frequency). Disruption of this splice site has been observed in individual(s) with clinical features of Stargardt disease (PMID: 28118664, 32307445). ClinVar contains an entry for this variant (Variation ID: 236081). Algorithms developed to predict the effect of sequence changes on RNA splicing suggest that this variant may disrupt the consensus splice site. In summary, the currently available evidence indicates that the variant is pathogenic, but additional data are needed to prove that conclusively. Therefore, this variant has been classified as Likely Pathogenic.

Institute of Human Genetics, University of Leipzig Medical Center
Classification: Likely pathogenic for Severe early-childhood-onset retinal dystrophy. Last evaluated: 2019-01-01. Review status: criteria provided, single submitter. Criteria: ACMG Guidelines, 2015. Collection method: clinical testing. Allele origin: unknown. Affected: no.

Institute of Human Genetics, Univ. Regensburg, Univ. Regensburg
Classification: Pathogenic for Severe early-childhood-onset retinal dystrophy. Last evaluated: 2016-01-01. Review status: criteria provided, single submitter. Criteria: Schulz et al. (Invest Ophthalmol Vis Sci. 2017). Collection method: clinical testing, in vitro. Allele origin: germline, unknown. Affected: yes. Observed: 1 heterozygote. Functional consequence: sequence_variant_affecting_splicing.

Institute of Human Genetics, Univ. Regensburg, Univ. Regensburg
Classification: Pathogenic for Retinal dystrophy. Last evaluated: 2013-01-01. Review status: criteria provided, single submitter. Criteria: ACMG Guidelines, 2015. Collection method: clinical testing. Allele origin: germline. Affected: yes.

Literature cited by the submitters: PubMed 16199547 (cited by Labcorp Genetics (formerly Invitae), Labcorp); PubMed 10958761 (cited by Labcorp Genetics (formerly Invitae), Labcorp); PubMed 24938718 (cited by Labcorp Genetics (formerly Invitae), Labcorp); PubMed 25312043 (cited by Labcorp Genetics (formerly Invitae), Labcorp); PubMed 26780318 (cited by Labcorp Genetics (formerly Invitae), Labcorp); PubMed 28118664 (cited by Labcorp Genetics (formerly Invitae), Labcorp and Institute of Human Genetics, Univ. Regensburg, Univ. Regensburg); PubMed 32307445 (cited by Labcorp Genetics (formerly Invitae), Labcorp); PubMed 3230744 (cited by Institute of Human Genetics, Univ. Regensburg, Univ. Regensburg).